The following is an entry in ClinVar:

NM_022168.4(IFIH1):c.337G>A (p.Glu113Lys)

Gene: IFIH1 (interferon induced with helicase C domain 1; minus strand). Cytogenetic location: 2q24.2.
Variant type: single nucleotide variant.
Coding change: c.337G>A on transcript NM_022168.4 (MANE Select); coding-DNA position 337, G replaced by A.
Protein change: p.Glu113Lys; replaces glutamic acid 113 with lysine.
Molecular consequence: missense variant.
Genome position (GRCh38, 1-based): chr2:162,317,971, C>T on the plus strand (G>A on the coding strand, the complement: IFIH1 is on the minus strand). VCF-style: chr2-162317971-C-T. GRCh37 (hg19) VCF-style: chr2-163174481-C-T.
Other names: short protein forms E113K.
Identifiers: ClinVar variation 1503860 (VCV001503860.6), dbSNP rs1419235573, ClinGen allele CA349013583.
Genomic context (GRCh38, chr2:162,317,971, plus strand): 5'-CTCTAACTAGAAGCTTGTCCACCAGAGTGGGCTGAAGGAGGTTCAGCAGTTGGAGATATT[C>T]ATCATGAGCGTTCTCAAACGATGGAGAGGGCAAGTCCGTGAGCTCAGGGTTCATGTAGCG-3'
Protein context (NP_071451.2, residues 103-123): PSPSFENAHD[Glu113Lys]YLQLLNLLQP

ClinVar aggregate classification (germline): Uncertain significance (1 of 4 stars; one submission).

Conditions:
Singleton-Merten syndrome 1 (SGMRT1). Also called: Widened medullary cavities of bone, aortic calcification, abnormal dentition, and muscular weakness; Syndrome of widened medullary cavities of the metacarpals and phalanges, aortic calcification and abnormal dentition. Identifiers: Orphanet 85191, MedGen C4225427, MONDO:0024535, OMIM 182250.
Aicardi-Goutieres syndrome 7 (AGS7). Identifiers: Orphanet 51, MedGen C3888244, MONDO:0014367, OMIM 615846.

Allele frequency attached by ClinVar (database versions not stated): gnomAD exomes below 0.00001.
gnomAD v4.1: 1 of 1,614,202 alleles (0.000062%); highest among the groups gnomAD compares: Admixed American, 0.0017%; no homozygotes.

Submission:

Labcorp Genetics (formerly Invitae), Labcorp
Classification: Uncertain significance for Aicardi-Goutieres syndrome 7; Singleton-Merten syndrome 1. Last evaluated: 2024-02-27. Review status: criteria provided, single submitter. Criteria: Invitae Variant Classification Sherloc (09022015). Collection method: clinical testing. Allele origin: germline.
Comment: This sequence change replaces glutamic acid, which is acidic and polar, with lysine, which is basic and polar, at codon 113 of the IFIH1 protein (p.Glu113Lys). This variant is present in population databases (no rsID available, gnomAD 0.003%). This variant has not been reported in the literature in individuals affected with IFIH1-related conditions. ClinVar contains an entry for this variant (Variation ID: 1503860). Advanced modeling of protein sequence and biophysical properties (such as structural, functional, and spatial information, amino acid conservation, physicochemical variation, residue mobility, and thermodynamic stability) has been performed at Invitae for this missense variant, however the output from this modeling did not meet the statistical confidence thresholds required to predict the impact of this variant on IFIH1 protein function. In summary, the available evidence is currently insufficient to determine the role of this variant in disease. Therefore, it has been classified as a Variant of Uncertain Significance.